The following is an entry in ClinVar:

ClinVar aggregate classification (germline): Uncertain significance (1 of 4 stars; one submission).

Conditions:
Hereditary cancer-predisposing syndrome. Also called: Tumor predisposition; Hereditary neoplastic syndrome; Neoplastic Syndromes, Hereditary; Hereditary Cancer Syndrome. Identifiers: Orphanet 140162, MedGen C0027672, MeSH D009386, MONDO:0015356.

Submission:

Labcorp Genetics (formerly Invitae), Labcorp
Classification: Uncertain significance for Hereditary cancer-predisposing syndrome. Last evaluated: 2020-06-20. Review status: criteria provided, single submitter. Criteria: Invitae Variant Classification Sherloc (09022015). Collection method: clinical testing. Allele origin: germline.
Comment: In summary, the available evidence is currently insufficient to determine the role of this variant in disease. Therefore, it has been classified as a Variant of Uncertain Significance. Algorithms developed to predict the effect of missense changes on protein structure and function are either unavailable or do not agree on the potential impact of this missense change (SIFT: "Deleterious"; PolyPhen-2: "Probably Damaging"; Align-GVGD: "Class C0"). This variant has not been reported in the literature in individuals with RAD50-related conditions. This variant is not present in population databases (ExAC no frequency). This sequence change replaces phenylalanine with cysteine at codon 1262 of the RAD50 protein (p.Phe1262Cys). The phenylalanine residue is moderately conserved and there is a large physicochemical difference between phenylalanine and cysteine.

NM_005732.4(RAD50):c.3785T>G (p.Phe1262Cys)

Genes: TH2LCRR (T helper type 2 locus control region associated RNA; minus strand), RAD50 (RAD50 double strand break repair protein; plus strand). Cytogenetic location: 5q31.1.
Variant type: single nucleotide variant.
Coding change: c.3785T>G on transcript NM_005732.4 (MANE Select); coding-DNA position 3785, T replaced by G.
Protein change: p.Phe1262Cys; replaces phenylalanine 1262 with cysteine.
Molecular consequence: missense variant. On other transcripts: non-coding transcript variant (1).
Genome position (GRCh38, 1-based): chr5:132,642,210, T>G. VCF-style: chr5-132642210-T-G. GRCh37 (hg19) VCF-style: chr5-131977902-T-G.
Other names: short protein forms F1262C.
Identifiers: ClinVar variation 1009114 (VCV001009114.9), dbSNP rs1751738874, ClinGen allele CA360935779.